The following is an entry in ClinVar:

ClinVar aggregate classification (germline): Uncertain significance. Review status: criteria provided, multiple submitters, no conflicts (2 of 4 stars). 3 submissions from 3 submitters: Uncertain significance (2). 1 of the submissions does not count toward it. Last evaluated 2023-10-22.

Conditions:
Familial Mediterranean fever (FMF). Also called: POLYSEROSITIS, FAMILIAL PAROXYSMAL; POLYSEROSITIS, RECURRENT; Periodic peritonitis; Benign paroxysmal peritonitis. Identifiers: Orphanet 342, MedGen C0031069, MONDO:0018088, OMIM 249100. Disease mechanism: gain of function.

Allele frequency attached by ClinVar (database versions not stated): gnomAD 0.00001 and 0.00003; gnomAD exomes 0.00001 and 0.00002; ExAC 0.00001; TOPMed 0.00002.

Submissions (3):

GeneDx
Classification: Uncertain significance. Last evaluated: 2023-10-22. Review status: criteria provided, single submitter. Criteria: GeneDx Variant Classification Process June 2021. Collection method: clinical testing. Allele origin: germline. Affected: yes.
Comment: Frameshift variant predicted to result in abnormal protein length as the last 5 amino acids are replaced with 4 different amino acids; Has not been previously published as pathogenic or benign to our knowledge

Labcorp Genetics (formerly Invitae), Labcorp
Classification: Uncertain significance for Familial Mediterranean fever. Last evaluated: 2022-08-22. Review status: criteria provided, single submitter. Criteria: Invitae Variant Classification Sherloc (09022015). Collection method: clinical testing. Allele origin: germline.
Comment: In summary, the available evidence is currently insufficient to determine the role of this variant in disease. Therefore, it has been classified as a Variant of Uncertain Significance. ClinVar contains an entry for this variant (Variation ID: 458001). This variant has not been reported in the literature in individuals affected with MEFV-related conditions. This variant is present in population databases (rs753946287, gnomAD 0.005%). This sequence change creates a premature translational stop signal (p.Gly777Alafs*4) in the MEFV gene. While this is not anticipated to result in nonsense mediated decay, it is expected to disrupt the last 5 amino acid(s) of the MEFV protein.

Natera, Inc.
Classification: Uncertain significance for Familial Mediterranean fever. Last evaluated: 2019-10-28. Review status: no assertion criteria provided. Collection method: clinical testing. Allele origin: germline. Not counted in ClinVar's aggregate classification.

NM_000243.3(MEFV):c.2330_2331del (p.Gly777fs)

Gene: MEFV (MEFV innate immunity regulator, pyrin; minus strand). Cytogenetic location: 16p13.3.
Variant type: Deletion.
Coding change: c.2330_2331del on transcript NM_000243.3 (MANE Select); coding-DNA positions 2330 to 2331, 2 bases deleted (GT; older notation c.2330_2331delGT).
Protein change: p.Gly777fs; shifts the reading frame from glycine 777.
Molecular consequence: frameshift variant. On other transcripts: 3 prime UTR variant (1).
Genome position (GRCh38, 1-based): chr16:3,243,156-3,243,157, AC deleted on the plus strand (GT on the coding strand, the reverse complement: MEFV is on the minus strand). VCF-style (leftmost placement, unchanged base first): chr16-3243155-GAC-G. GRCh37 (hg19) VCF-style: chr16-3293155-GAC-G.
Other names: c.2330_2331delGT (NM_000243.2); c.2330_2331del (NM_000243.2); c.*534_*535del (NM_001198536.2); short protein forms G777fs.
Identifiers: ClinVar variation 458001 (VCV000458001.11), dbSNP rs753946287, ClinGen allele CA7859836.